The following is an entry in ClinVar:

NM_001042492.3(NF1):c.3543A>C (p.Glu1181Asp)

Gene: NF1 (neurofibromin 1; plus strand). Cytogenetic location: 17q11.2.
Variant type: single nucleotide variant.
Coding change: c.3543A>C on transcript NM_001042492.3 (MANE Select); coding-DNA position 3543, A replaced by C.
Protein change: p.Glu1181Asp; replaces glutamic acid 1181 with aspartic acid.
Molecular consequence: missense variant.
Genome position (GRCh38, 1-based): chr17:31,233,048, A>C. VCF-style: chr17-31233048-A-C. GRCh37 (hg19) VCF-style: chr17-29560066-A-C.
Other names: c.3543A>C, p.Glu1181Asp (NM_000267.4); short protein forms E1181D.
Identifiers: ClinVar variation 1732492 (VCV001732492.2), dbSNP rs2508237950, ClinGen allele CA398989955.

ClinVar aggregate classification (germline): Uncertain significance (1 of 4 stars; one submission).

Conditions:
Hereditary cancer-predisposing syndrome. Also called: Neoplastic Syndromes, Hereditary; Tumor predisposition; Hereditary Cancer Syndrome; Hereditary neoplastic syndrome. Identifiers: Orphanet 140162, MedGen C0027672, MeSH D009386, MONDO:0015356.
Cardiovascular phenotype. Identifiers: MedGen CN230736.

Allele frequency attached by ClinVar (database versions not stated): gnomAD exomes below 0.00001.
gnomAD v4.1: 1 of 1,614,234 alleles (0.000062%); highest among the groups gnomAD compares: Non-Finnish European, 0.000085%; no homozygotes.

Submission:

Ambry Genetics
Classification: Uncertain significance for Cardiovascular phenotype; Hereditary cancer-predisposing syndrome. Last evaluated: 2022-03-31. Review status: criteria provided, single submitter. Criteria: Ambry Variant Classification Scheme 2023. Collection method: clinical testing. Allele origin: germline.
Comment: The p.E1181D variant (also known as c.3543A>C), located in coding exon 27 of the NF1 gene, results from an A to C substitution at nucleotide position 3543. The glutamic acid at codon 1181 is replaced by aspartic acid, an amino acid with highly similar properties. This amino acid position is highly conserved in available vertebrate species. In addition, this alteration is predicted to be deleterious by in silico analysis. Since supporting evidence is limited at this time, the clinical significance of this alteration remains unclear.